The following is an entry in ClinVar:

ClinVar aggregate classification (germline): Pathogenic (1 of 4 stars; one submission).

Conditions:
Generalized dominant dystrophic epidermolysis bullosa (DDEB). Also called: DDEB, generalized; DDEB-gen; DYSTROPHIC EPIDERMOLYSIS BULLOSA, AUTOSOMAL DOMINANT; Epidermolysis bullosa dystrophica, autosomal dominant; Dominant DEB (DDEB). Identifiers: Orphanet 231568, MedGen C0432322, MONDO:0007549, OMIM 131750.

gnomAD v4.1: 1 of 1,614,030 alleles (0.000062%); no homozygotes.

Submission:

Victorian Clinical Genetics Services, Murdoch Childrens Research Institute
Classification: Pathogenic for Generalized dominant dystrophic epidermolysis bullosa. Last evaluated: 2022-02-02. Review status: criteria provided, single submitter. Criteria: ACMG Guidelines, 2015. Collection method: clinical testing. Allele origin: germline. Inheritance: Autosomal dominant inheritance.
Comment: Based on the classification scheme VCGS_Germline_v1.3.4, this variant is classified as Pathogenic. Following criteria are met: 0103 - Dominant negative and loss of function are known mechanisms of disease in this gene and are associated with dystrophic epidermolysis bullosa (DEB) (OMIM, PMID: 31670143). (I) 0108 - This gene is associated with both recessive and dominant disease. The spectrum of DEB associated with this gene can be either dominant or recessive. Dominant inheritance (DDEB; MIM#131750) is typically associated with milder phenotypes, whereas recessive inheritance (RDEB; MIM#226600) is usually observed in more severe cases (OMIM). (I) 0210 - Splice site variant proven to affect splicing of the transcript with a known effect on protein sequence. Analysis of patient fibroblasts by RT-PCR and Western blot demonstrated that the variant results in the in-frame skipping of exon 108 (p.Gly2662_Lys2682del) (PMID: 9740253, PMID: 31670143). (SP) 0251 - This variant is heterozygous. (I) 0304 - Variant is present in gnomAD (v3) <0.01 (1 heterozygote, 0 homozygotes). (SP) 0601 - Variant is located in the well-established functional collagen triple helix repeat domain (DECIPHER, UniProt). (SP) 0704 - Another variant comparable to the one identified in this case has limited previous evidence for pathogenicity. A different variant, c.7894-2A>G, also shown to result in the in-frame skipping of exon 108 (p.Gly2662_Lys2682del), has previously been reported in a DDEB patient and their affected mother (PMID: 31670143). (SP) 0803 - This variant has limited previous evidence of pathogenicity in an unrelated individual. The variant has previously been reported in at least one family with the pretibial subtype of DDEB (PMIDs: 7738360, 9740253, 16971478). (SP) 0901 - This variant has strong evidence for segregation with disease. The allele has previously been shown to segregate with DDEB in a three-generation family, with eight affected and twelve unaffected individuals. The variant was considered to be non-penetrant in childhood, and fully penetrant after ten years of age (PMIDs: 7738360, 9740253). (SP) 1007 - No published functional evidence has been identified for this variant. (I) 1208 - Inheritance information for this variant is not currently available in this individual. (I) Legend: (SP) - Supporting pathogenic, (I) - Information, (SB) - Supporting benign

Literature cited by the submitters: PubMed 7738360; PubMed 9740253; PubMed 10504458; PubMed 16971478; PubMed 17916216; PubMed 19269793; PubMed 29500833; PubMed 31670143; PubMed 31709745.

NM_000094.4(COL7A1):c.8045A>G (p.Lys2682Arg)

Gene: COL7A1 (collagen type VII alpha 1 chain; minus strand). Cytogenetic location: 3p21.31.
Variant type: single nucleotide variant.
Coding change: c.8045A>G on transcript NM_000094.4 (MANE Select); coding-DNA position 8045, A replaced by G.
Protein change: p.Lys2682Arg; replaces lysine 2682 with arginine.
Molecular consequence: missense variant.
Genome position (GRCh38, 1-based): chr3:48,567,575, T>C on the plus strand (A>G on the coding strand, the complement: COL7A1 is on the minus strand). VCF-style: chr3-48567575-T-C. GRCh37 (hg19) VCF-style: chr3-48605008-T-C.
Other names: short protein forms K2682R.
Identifiers: ClinVar variation 3376581 (VCV003376581.1).